The following is an entry in ClinVar:

NM_025136.4(OPA3):c.*3117C>T

Genes: OPA3 (outer mitochondrial membrane lipid metabolism regulator OPA3; minus strand), OPA3-RTN2 (OPA3-RTN2 readthrough; minus strand). Cytogenetic location: 19q13.32.
Variant type: single nucleotide variant.
Coding change: c.*3117C>T on transcript NM_025136.4 (MANE Select); 3117 bases downstream of the stop codon, C replaced by T.
Molecular consequence: 3 prime UTR variant. On other transcripts: intron variant (1).
Genome position (GRCh38, 1-based): chr19:45,550,397, G>A on the plus strand (C>T on the coding strand, the complement: OPA3 is on the minus strand). VCF-style: chr19-45550397-G-A. GRCh37 (hg19) VCF-style: chr19-46053655-G-A.
Other names: c.143-20941C>T (NM_001017989.3).
Identifiers: ClinVar variation 329630 (VCV000329630.5), dbSNP rs569595277, ClinGen allele CA10652131.
Genomic context (GRCh38, chr19:45,550,397, plus strand): 5'-CGGGCCCAGGTGGAATGGTCACCCAGTTTACACAATGCTATGATCTCTGGTGTGATCTGG[G>A]GCTGCTCTGAGAGGGGATAGAGAGGGTCTCCCACTATCAACGCCACCTCTGGGATGGTCT-3'

ClinVar aggregate classification (germline): Conflicting classifications of pathogenicity. Review status: criteria provided, conflicting classifications (1 of 4 stars). 2 submissions from 1 submitter: Uncertain significance (1); Benign (1). Last evaluated 2018-01-12.

Conditions:
3-Methylglutaconic aciduria type 3 (MGCA3). Also called: OPA3, AUTOSOMAL RECESSIVE; OPTIC ATROPHY 3, AUTOSOMAL RECESSIVE; Costeff Syndrome; OPA3-Related 3-Methylglutaconic Aciduria. Identifiers: Orphanet 67047, MedGen C0574084, MONDO:0009787, OMIM 258501.
Optic atrophy 3 (OPA3). Also called: OPTIC ATROPHY 3, AUTOSOMAL DOMINANT; Optic atrophy, cataract, and neurologic disorder; Optic atrophy 3 with cataract. Identifiers: Orphanet 67036, MedGen C1833809, MONDO:0008133, OMIM 165300.

Allele frequency attached by ClinVar (database versions not stated): gnomAD 0.00391 and 0.00427; TOPMed 0.00458.

Submissions (2):

Illumina Laboratory Services, Illumina
Classification: Benign for Optic atrophy 3. Last evaluated: 2018-01-12. Review status: criteria provided, single submitter. Criteria: ICSL Variant Classification Criteria 13 December 2019. Collection method: clinical testing. Allele origin: germline.
Comment: This variant was observed in the ICSL laboratory as part of a predisposition screen in an ostensibly healthy population. It had not been previously curated by ICSL or reported in the Human Gene Mutation Database (HGMD: prior to June 1st, 2018), and was therefore a candidate for classification through an automated scoring system. Utilizing variant allele frequency, disease prevalence and penetrance estimates, and inheritance mode, an automated score was calculated to assess if this variant is too frequent to cause the disease. Based on the score and internal cut-off values, a variant classified as benign is not then subjected to further curation. The score for this variant resulted in a classification of benign for this disease.

Illumina Laboratory Services, Illumina
Classification: Uncertain significance for 3-Methylglutaconic aciduria type 3. Last evaluated: 2018-01-12. Review status: criteria provided, single submitter. Criteria: ICSL Variant Classification Criteria 13 December 2019. Collection method: clinical testing. Allele origin: germline.